The following is an entry in ClinVar:

ClinVar aggregate classification (germline): Uncertain significance. Review status: criteria provided, multiple submitters, no conflicts (2 of 4 stars). 2 submissions from 2 submitters: Uncertain significance (2). Last evaluated 2025-03-03.

Submissions (2):

Women's Health and Genetics/Laboratory Corporation of America, LabCorp
Classification: Uncertain significance. Last evaluated: 2025-03-03. Review status: criteria provided, single submitter. Criteria: LabCorp Variant Classification Summary - May 2015. Collection method: clinical testing. Allele origin: germline.
Comment: Variant summary: DRP2 c.169C>A (p.Pro57Thr) results in a non-conservative amino acid change in the encoded protein sequence. Three of four in-silico tools predict a benign effect of the variant on protein function. The variant allele was found at a frequency of 8.3e-07 in 1206671 control chromosomes. The available data on variant occurrences in the general population are insufficient to allow any conclusion about variant significance. To our knowledge, no occurrence of c.169C>A in individuals affected with Charcot-Marie-Tooth disease and no experimental evidence demonstrating its impact on protein function have been reported. No submitters have cited clinical-significance assessments for this variant to ClinVar. Based on the evidence outlined above, the variant was classified as uncertain significance.

Ambry Genetics
Classification: Uncertain significance. Last evaluated: 2025-02-15. Review status: criteria provided, single submitter. Criteria: Ambry Variant Classification Scheme 2023. Collection method: clinical testing. Allele origin: germline.

NM_001939.3(DRP2):c.169C>A (p.Pro57Thr)

Gene: DRP2 (dystrophin related protein 2; plus strand). Cytogenetic location: Xq22.1.
Variant type: single nucleotide variant.
Coding change: c.169C>A on transcript NM_001939.3 (MANE Select); coding-DNA position 169, C replaced by A.
Protein change: p.Pro57Thr; replaces proline 57 with threonine.
Molecular consequence: missense variant. On other transcripts: 5 prime UTR variant (1).
Genome position (GRCh38, 1-based): chrX:101,235,911, C>A. VCF-style: chrX-101235911-C-A. GRCh37 (hg19) VCF-style: chrX-100490900-C-A.
Other names: c.-66C>A (NM_001171184.2); short protein forms P57T.
Identifiers: ClinVar variation 3842495 (VCV003842495.2).